The following is an entry in ClinVar:

ClinVar aggregate classification (germline): Benign/Likely benign. Review status: criteria provided, multiple submitters, no conflicts (2 of 4 stars). 3 submissions from 3 submitters: Benign (1); Likely benign (1). 1 of the submissions does not count toward it. Last evaluated 2026-04-01.

Conditions:
Rubinstein-Taybi syndrome (RSTS). Identifiers: Orphanet 783, MedGen C0035934, MONDO:0019188.
CREBBP-related disorder. Also called: CREBBP-related condition; CREBBP-related disorders.

Allele frequency attached by ClinVar (database versions not stated): gnomAD exomes below 0.00001; gnomAD 0.00002; TOPMed 0.00002.
gnomAD v4.1: 5 of 1,614,190 alleles (0.00031%); highest among the groups gnomAD compares: African/African-American, 0.0053%; no homozygotes.

Submissions (3):

CeGaT Center for Human Genetics Tuebingen
Classification: Likely benign. Last evaluated: 2026-04-01. Review status: criteria provided, single submitter. Criteria: CeGaT Center For Human Genetics Tuebingen Variant Classification Criteria Version 2. Collection method: clinical testing. Allele origin: germline. Affected: yes. Observed: 1 variant allele.
Comment: CREBBP: BP4, BP7

Labcorp Genetics (formerly Invitae), Labcorp
Classification: Benign for Rubinstein-Taybi syndrome. Last evaluated: 2025-02-20. Review status: criteria provided, single submitter. Criteria: Invitae Variant Classification Sherloc (09022015). Collection method: clinical testing. Allele origin: germline.

PreventionGenetics, part of Exact Sciences
Classification: Likely benign for CREBBP-related condition. Last evaluated: 2023-10-10. Review status: no assertion criteria provided. Collection method: clinical testing. Allele origin: germline. Not counted in ClinVar's aggregate classification.
Comment: This variant is classified as likely benign based on ACMG/AMP sequence variant interpretation guidelines (Richards et al. 2015 PMID: 25741868, with internal and published modifications).

NM_004380.3(CREBBP):c.7227C>T (p.Leu2409=)

Gene: CREBBP (CREB binding lysine acetyltransferase; minus strand). Cytogenetic location: 16p13.3.
Variant type: single nucleotide variant.
Coding change: c.7227C>T on transcript NM_004380.3 (MANE Select); coding-DNA position 7227, C replaced by T.
Protein change: p.Leu2409=; no amino-acid change (leucine 2409 retained).
Molecular consequence: synonymous variant.
Genome position (GRCh38, 1-based): chr16:3,727,820, G>A on the plus strand (C>T on the coding strand, the complement: CREBBP is on the minus strand). VCF-style: chr16-3727820-G-A. GRCh37 (hg19) VCF-style: chr16-3777821-G-A.
Other names: c.7113C>T, p.Leu2371= (NM_001079846.1).
Identifiers: ClinVar variation 3054670 (VCV003054670.5), dbSNP rs966123342, ClinGen allele CA276971001.
Genomic context (GRCh38, chr16:3,727,820, plus strand): 5'-GTCCCCGACCAGGGACAGTTCGCTGGACAGCGCACTCCTGCTGGGGGTGTTCAGCTGGGG[G>A]AGCATTGCACTCTGTTCGGGGTTCCCCAAGTGTCCCTGATCTATGGAGCTGGCCATGGTG-3'
Protein context (NP_004371.2, residues 2399-2419): HLGNPEQSAM[Leu2409=]PQLNTPSRSA